The following is an entry in ClinVar:

ClinVar aggregate classification (germline): Uncertain significance. Review status: criteria provided, multiple submitters, no conflicts (2 of 4 stars). 4 submissions from 4 submitters: Uncertain significance (3). 1 of the submissions does not count toward it. Last evaluated 2026-01-07.

Conditions:
SETD5-related disorder. Also called: SETD5-related disorders; SETD5-related condition.
Intellectual disability-facial dysmorphism syndrome due to SETD5 haploinsufficiency (MRD23). Also called: Intellectual developmental disorder, autosomal dominant 23. Identifiers: Orphanet 404440, MedGen C3810406, MONDO:0014336, OMIM 615761.

Allele frequency attached by ClinVar (database versions not stated): TOPMed below 0.00001.
gnomAD v4.1: 3 of 1,605,320 alleles (0.00019%); highest among the groups gnomAD compares: African/African-American, 0.0013%; no homozygotes.

Submissions (4):

Women's Health and Genetics/Laboratory Corporation of America, LabCorp
Classification: Uncertain significance. Last evaluated: 2026-01-07. Review status: criteria provided, single submitter. Criteria: LabCorp Variant Classification Summary - May 2015. Collection method: clinical testing. Allele origin: germline.
Comment: Variant summary: SETD5 c.3721-1G>A is located in a canonical splice-site and is predicted to affect mRNA splicing resulting in a significantly altered protein due to either exon skipping, shortening, or inclusion of intronic material. Variants that disrupt the consensus splice site are a relatively common cause of aberrant splicing and loss of SETD5 function. Several computational tools predict a significant impact on normal splicing: Four predict the variant abolishes the canonical 3' acceptor site. Two predict the variant strengthens a cryptic 3' acceptor site. One predict the variant creates the cryptic 3' acceptor site. However, these predictions have yet to be confirmed by functional studies. The variant allele was found at a frequency of 8.1e-06 in 246776 control chromosomes. The available data on variant occurrences in the general population are insufficient to allow any conclusion about variant significance. To our knowledge, no occurrence of c.3721-1G>A in individuals affected with SETD5-related conditions and no experimental evidence demonstrating its impact on protein function have been reported. ClinVar contains an entry for this variant (Variation ID: 871927). Based on the evidence outlined above, the variant was classified as uncertain significance.

Fulgent Genetics
Classification: Uncertain significance for Intellectual disability-facial dysmorphism syndrome due to SETD5 haploinsufficiency. Last evaluated: 2024-04-16. Review status: criteria provided, single submitter. Criteria: ACMG Guidelines, 2015. Collection method: clinical testing. Allele origin: germline.

CeGaT Center for Human Genetics Tuebingen
Classification: Uncertain significance. Last evaluated: 2022-02-01. Review status: criteria provided, single submitter. Criteria: CeGaT Center For Human Genetics Tuebingen Variant Classification Criteria Version 2. Collection method: clinical testing. Allele origin: germline. Affected: yes. Observed: 1 variant allele.

PreventionGenetics, part of Exact Sciences
Classification: Uncertain significance for SETD5-related condition. Last evaluated: 2024-09-19. Review status: no assertion criteria provided. Collection method: clinical testing. Allele origin: germline. Not counted in ClinVar's aggregate classification.
Comment: The SETD5 c.3721-1G>A variant is predicted to disrupt the AG splice acceptor site and interfere with normal splicing. To our knowledge, this variant has not been reported in the literature. This variant is reported in 0.0065% of alleles in individuals of African descent in gnomAD. At this time, the clinical significance of this variant is uncertain due to the absence of conclusive functional and genetic evidence.

NM_001080517.3(SETD5):c.3721-1G>A

Gene: SETD5 (SET domain containing 5; plus strand). Cytogenetic location: 3p25.3.
Variant type: single nucleotide variant.
Coding change: c.3721-1G>A on transcript NM_001080517.3 (MANE Select); the canonical splice acceptor site of the intron before coding-DNA position 3721, G replaced by A.
Molecular consequence: splice acceptor variant.
Genome position (GRCh38, 1-based): chr3:9,475,482, G>A. VCF-style: chr3-9475482-G-A. GRCh37 (hg19) VCF-style: chr3-9517166-G-A.
Other names: c.3721-1G>A (NM_001080517.2); c.3427-1G>A (NM_001349451.2, NM_001292043.2).
Identifiers: ClinVar variation 871927 (VCV000871927.43), dbSNP rs1226313778, ClinGen allele CA351690580.